The following is an entry in ClinVar:

ClinVar aggregate classification (germline): Pathogenic/Likely pathogenic. Review status: criteria provided, multiple submitters, no conflicts (2 of 4 stars). 2 submissions from 2 submitters: Pathogenic (1); Likely pathogenic (1). Last evaluated 2025-10-02.

Conditions:
Inborn genetic diseases. Identifiers: MedGen C0950123, MeSH D030342.

Submissions (2):

Ambry Genetics
Classification: Likely pathogenic for Inborn genetic diseases. Last evaluated: 2025-10-02. Review status: criteria provided, single submitter. Criteria: Ambry Variant Classification Scheme 2023. Collection method: clinical testing. Allele origin: germline.
Comment: The c.32delT variant, located in coding exon 1 of the MBD4 gene, results from a deletion of one nucleotide at nucleotide position 32, causing a translational frameshift with a predicted alternate stop codon (p.L11Rfs*16). The predicted stop codon occurs in the 5&rsquo; end of theMBD4 gene. Premature termination codons in the 5&rsquo; end of a gene have been reported to escape nonsense-mediated mRNAdecay and/or lead to re-initiation (Rivas et al. Science. 2015 May 8;348(6235):666-9; Lindeboom et al. Nat Genet. 2016 Oct;48(10):1112-8; Rhee et al. Sci Rep. 2017 May 10;7(1):1653). Direct evidence for this alteration is unavailable, however premature termination codons are typically deleterious in nature. This variant is considered to be rare based on population cohorts in the Genome Aggregation Database (gnomAD). Based on the majority of available evidence to date, this variant is likely to be pathogenic.

Labcorp Genetics (formerly Invitae), Labcorp
Classification: Pathogenic. Last evaluated: 2024-09-12. Review status: criteria provided, single submitter. Criteria: Invitae Variant Classification Sherloc (09022015). Collection method: clinical testing. Allele origin: germline.
Comment: This sequence change creates a premature translational stop signal (p.Leu11Argfs*16) in the MBD4 gene. It is expected to result in an absent or disrupted protein product. Loss-of-function variants in MBD4 are known to be pathogenic (PMID: 30049810, 35460607). This variant is present in population databases (rs758536388, gnomAD 0.006%). This variant has not been reported in the literature in individuals affected with MBD4-related conditions. For these reasons, this variant has been classified as Pathogenic.

Literature cited by the submitters: PubMed 30049810 (cited by Labcorp Genetics (formerly Invitae), Labcorp); PubMed 35460607 (cited by Labcorp Genetics (formerly Invitae), Labcorp).

NM_001276270.2(MBD4):c.32del (p.Leu11fs)

Genes: MBD4 (methyl-CpG binding domain 4, DNA glycosylase; minus strand), LOC129937550 (ATAC-STARR-seq lymphoblastoid active region 20512; plus strand). Cytogenetic location: 3q21.3.
Variant type: Deletion.
Coding change: c.32del on transcript NM_001276270.2 (MANE Select); coding-DNA position 32, one base deleted (T; older notation c.32delT).
Protein change: p.Leu11fs; shifts the reading frame from leucine 11.
Molecular consequence: frameshift variant.
Genome position (GRCh38, 1-based): chr3:129,439,802, A deleted on the plus strand (T on the coding strand, the reverse complement: MBD4 is on the minus strand). VCF-style (leftmost placement, unchanged base first): chr3-129439801-CA-C. GRCh37 (hg19) VCF-style: chr3-129158644-CA-C.
Other names: c.32del, p.Leu11fs (NM_001276271.2, NM_001276272.2, NM_001276273.2 and 1 more transcripts); c.32delT (NM_001276270.2); short protein forms L11fs.
Identifiers: ClinVar variation 3689107 (VCV003689107.3).